The following is an entry in ClinVar:

NM_031443.4(CCM2):c.586del (p.Val196fs)

Gene: CCM2 (CCM2 scaffold protein; plus strand). Cytogenetic location: 7p13.
Variant type: Deletion.
Coding change: c.586del on transcript NM_031443.4 (MANE Select); coding-DNA position 586, one base deleted (G; older notation c.586delG).
Protein change: p.Val196fs; shifts the reading frame from valine 196.
Molecular consequence: frameshift variant. On other transcripts: non-coding transcript variant (1), intron variant (1).
Genome position (GRCh38, 1-based): chr7:45,068,556, G deleted; the last of 2 consecutive G bases (chr7:45,068,555-45,068,556); deleting either gives the same sequence. VCF-style (leftmost placement, unchanged base first): chr7-45068554-TG-T. GRCh37 (hg19) VCF-style: chr7-45108153-TG-T.
Other names: c.649del, p.Val217fs (NM_001029835.2); c.412del, p.Val138fs (NM_001167934.2, NM_001363459.2); c.586del, p.Val196fs (NM_001363458.2); c.472+3910del (NM_001167935.2); c.586delG (NM_031443.3); short protein forms V138fs, V196fs, V217fs.
Identifiers: ClinVar variation 590661 (VCV000590661.3), dbSNP rs1562912441, ClinGen allele CA891862711.

ClinVar aggregate classification (germline): Likely pathogenic (0 of 4 stars; one submission).

Conditions:
CCM2-related disorder. Also called: CCM2-related condition.

Submission:

PreventionGenetics, part of Exact Sciences
Classification: Likely pathogenic for CCM2-related condition. Last evaluated: 2024-07-31. Review status: no assertion criteria provided. Collection method: clinical testing. Allele origin: germline.
Comment: The CCM2 c.586delG variant is predicted to result in a frameshift and premature protein termination (p.Val196Serfs*18). To our knowledge, this variant has not been reported in the literature or in a large population database, indicating this variant is rare. Frameshift variants in CCM2 are expected to be pathogenic. This variant is interpreted as likely pathogenic.